The following is an entry in ClinVar:

ClinVar aggregate classification (germline): Uncertain significance (1 of 4 stars; one submission).

Conditions:
Dilated cardiomyopathy 1G (CMD1G). Identifiers: Orphanet 154, MedGen C1858763, MONDO:0011400, OMIM 604145.
Autosomal recessive limb-girdle muscular dystrophy type 2J (LGMDR10). Also called: Limb-girdle muscular dystrophy, type 2J; MUSCULAR DYSTROPHY, LIMB-GIRDLE, AUTOSOMAL RECESSIVE 10. Identifiers: Orphanet 140922, MedGen C1837342, MONDO:0012127, OMIM 608807.

Allele frequency attached by ClinVar (database versions not stated): gnomAD exomes below 0.00001; ExAC 0.00001.
gnomAD v4.1: 3 of 1,613,950 alleles (0.00019%); highest among the groups gnomAD compares: Non-Finnish European, 0.00025%; no homozygotes.

Submission:

Labcorp Genetics (formerly Invitae), Labcorp
Classification: Uncertain significance for Dilated cardiomyopathy 1G; Autosomal recessive limb-girdle muscular dystrophy type 2J. Last evaluated: 2025-04-02. Review status: criteria provided, single submitter. Criteria: Invitae Variant Classification Sherloc (09022015). Collection method: clinical testing. Allele origin: germline.
Comment: This sequence change replaces leucine, which is neutral and non-polar, with serine, which is neutral and polar, at codon 34773 of the TTN protein (p.Leu34773Ser). This variant is present in population databases (rs758552759, gnomAD 0.0009%). This variant has not been reported in the literature in individuals affected with TTN-related conditions. ClinVar contains an entry for this variant (Variation ID: 2936659). Experimental studies and prediction algorithms are not available or were not evaluated, and the functional significance of this variant is currently unknown. This variant is located in the M band of TTN (PMID: 25589632). Non-truncating variants in this region may be relevant for neuromuscular disorders, but have not been definitively shown to cause cardiomyopathy (PMID: 23975875). In summary, the available evidence is currently insufficient to determine the role of this variant in disease. Therefore, it has been classified as a Variant of Uncertain Significance.

Literature cited by the submitters: PubMed 25589632; PubMed 23975875.

NM_001267550.2(TTN):c.104318T>C (p.Leu34773Ser)

Genes: TTN (titin; minus strand), TTN-AS1 (TTN antisense RNA 1; plus strand). Cytogenetic location: 2q31.2.
Variant type: single nucleotide variant.
Coding change: c.104318T>C on transcript NM_001267550.2 (MANE Select); coding-DNA position 104318, T replaced by C.
Protein change: p.Leu34773Ser; replaces leucine 34773 with serine.
Molecular consequence: missense variant.
Genome position (GRCh38, 1-based): chr2:178,532,297, A>G on the plus strand (T>C on the coding strand, the complement: TTN is on the minus strand). VCF-style: chr2-178532297-A-G. GRCh37 (hg19) VCF-style: chr2-179397024-A-G.
Other names: c.99395T>C, p.Leu33132Ser (NM_001256850.1); c.77123T>C, p.Leu25708Ser (NM_003319.4); c.96614T>C, p.Leu32205Ser (NM_133378.4); c.77498T>C, p.Leu25833Ser (NM_133432.3); c.77699T>C, p.Leu25900Ser (NM_133437.4); short protein forms L25833S, L25708S, L25900S, L33132S, L32205S, L34773S.
Identifiers: ClinVar variation 2936659 (VCV002936659.3), dbSNP rs758552759, ClinGen allele CA1985444.
Genomic context (GRCh38, chr2:178,532,297, plus strand): 5'-ATGAAGTCAAGTTCGCTTTTGTATTCTGAGAGATGCTGGGTGGTCGTAACTGGGCGAAGC[A>G]ACTCTTCATCCTCCCTCTCAGCCATGATTCTTTGCCGTTGCTTTGGCTGTCTGTACGCAG-3'
Protein context (NP_001254479.2, residues 34763-34783): RIMAEREDEE[Leu34773Ser]LRPVTTTQHL